The following is an entry in ClinVar:

ClinVar aggregate classification (germline): Uncertain significance (1 of 4 stars; one submission).

Allele frequency attached by ClinVar (database versions not stated): TOPMed 0.00001; gnomAD 0.00001.

Submission:

GeneDx
Classification: Uncertain significance. Last evaluated: 2021-01-08. Review status: criteria provided, single submitter. Criteria: GeneDx Variant Classification Process June 2021. Collection method: clinical testing. Allele origin: germline. Affected: yes.
Comment: Not observed at a significant frequency in large population cohorts (Lek et al., 2016); In silico analysis supports that this missense variant has a deleterious effect on protein structure/function; Has not been previously published as pathogenic or benign to our knowledge

NM_206926.2(SELENON):c.1010G>T (p.Gly337Val)

Gene: SELENON (selenoprotein N; plus strand). Cytogenetic location: 1p36.11.
Variant type: single nucleotide variant.
Coding change: c.1010G>T on transcript NM_206926.2 (MANE Select); coding-DNA position 1010, G replaced by T.
Protein change: p.Gly337Val; replaces glycine 337 with valine.
Molecular consequence: missense variant.
Genome position (GRCh38, 1-based): chr1:25,811,710, G>T. VCF-style: chr1-25811710-G-T. GRCh37 (hg19) VCF-style: chr1-26138201-G-T.
Other names: c.1112G>T, p.Gly371Val (NM_020451.3); short protein forms G337V, G371V.
Identifiers: ClinVar variation 1313975 (VCV001313975.2), dbSNP rs745886248, ClinGen allele CA696768.